The following is an entry in ClinVar:

ClinVar aggregate classification (germline): Uncertain significance (1 of 4 stars; one submission).

Conditions:
Malignant hyperthermia, susceptibility to, 1 (MHS1). Also called: Anesthesia related hyperthermia; Malignant hyperpyrexia; Fulminating hyperpyrexia; Pharmacogenic myopathy; RYR1-Related Malignant Hyperthermia Susceptibility; Malignant hyperthermia suceptibility 1. Identifiers: Orphanet 423, MedGen C2930980, MONDO:0007783, OMIM 145600.

gnomAD v4.1: 1 of 1,549,236 alleles (0.000065%); no homozygotes.

Submission:

All of Us Research Program, National Institutes of Health
Classification: Uncertain significance for Malignant hyperthermia, susceptibility to, 1. Last evaluated: 2023-05-31. Review status: criteria provided, single submitter. Criteria: ACMG Guidelines, 2015. Collection method: clinical testing. Allele origin: germline. Inheritance: Autosomal dominant inheritance. Observed: 1 variant allele, 1 heterozygote.
Comment: This study involves interpretation of variants in research participants for the purpose of population health screening. Participant phenotype was not available at the time of variant classification. Additional details can be found in publication PMID: 35346344, PMCID: PMC8962531

NM_000540.3(RYR1):c.9577T>C (p.Cys3193Arg)

Gene: RYR1 (ryanodine receptor 1; plus strand). Cytogenetic location: 19q13.2.
Variant type: single nucleotide variant.
Coding change: c.9577T>C on transcript NM_000540.3 (MANE Select); coding-DNA position 9577, T replaced by C.
Protein change: p.Cys3193Arg; replaces cysteine 3193 with arginine.
Molecular consequence: missense variant.
Genome position (GRCh38, 1-based): chr19:38,516,109, T>C. VCF-style: chr19-38516109-T-C. GRCh37 (hg19) VCF-style: chr19-39006749-T-C.
Other names: c.9577T>C, p.Cys3193Arg (NM_001042723.2); short protein forms C3193R.
Identifiers: ClinVar variation 3071437 (VCV003071437.1), dbSNP rs2514425461, ClinGen allele CA405690063.
Genomic context (GRCh38, chr19:38,516,109, plus strand): 5'-GGGGACACGTGGCAGCTAAACACAGCCCCGTCTTCCAGGCTTCGGCCAGCCCTCGGGGAG[T>C]GCCTGGCCCGTCTGGCAGCAGCCATGCCGGTGGCGTTCCTGGAGCCGCAGCTGAACGAGT-3'
Protein context (NP_000531.2, residues 3183-3203): VEKLRPALGE[Cys3193Arg]LARLAAAMPV